The following is an entry in ClinVar:

ClinVar aggregate classification (germline): Uncertain significance. Review status: criteria provided, multiple submitters, no conflicts (2 of 4 stars). 2 submissions from 2 submitters: Uncertain significance (2). Last evaluated 2023-03-13.

Conditions:
Cardiovascular phenotype. Identifiers: MedGen CN230736.
Dilated cardiomyopathy 1Z (CMD1Z). Identifiers: Orphanet 154, MedGen C2678475, MONDO:0012745, OMIM 611879.
Hypertrophic cardiomyopathy 13. Also called: TNNC1-Related Familial Hypertrophic Cardiomyopathy. Identifiers: MedGen C2750472, MONDO:0013195, OMIM 613243.

Submissions (2):

Ambry Genetics
Classification: Uncertain significance for Cardiovascular phenotype. Last evaluated: 2023-03-13. Review status: criteria provided, single submitter. Criteria: Ambry Variant Classification Scheme 2023. Collection method: clinical testing. Allele origin: germline.
Comment: The p.E63D variant (also known as c.189G>T), located in coding exon 3 of the TNNC1 gene, results from a G to T substitution at nucleotide position 189. The glutamic acid at codon 63 is replaced by aspartic acid, an amino acid with highly similar properties. This amino acid position is conserved. In addition, the in silico prediction for this alteration is inconclusive. Since supporting evidence is limited at this time, the clinical significance of this alteration remains unclear.

Labcorp Genetics (formerly Invitae), Labcorp
Classification: Uncertain significance for Hypertrophic cardiomyopathy 13; Dilated cardiomyopathy 1Z. Last evaluated: 2015-11-06. Review status: criteria provided, single submitter. Criteria: Invitae Variant Classification Sherloc (09022015). Collection method: clinical testing. Allele origin: germline.
Comment: This sequence change replaces glutamic acid with aspartic acid at codon 63 of the TNNC1 protein (p.Glu63Asp). The glutamic acid residue is highly conserved and there is a small physicochemical difference between glutamic acid and aspartic acid. This variant is not present in population databases (ExAC no frequency) and has not been reported in the literature. Algorithms developed to predict the effect of missense changes on protein structure and function do not agree on the potential impact of this missense change (SIFT: "Deleterious"; PolyPhen-2: "Probably Damaging"; Align-GVGD: "Class C0"). In summary, this is a novel missense change with uncertain impact on protein function. It has been classified as a Variant of Uncertain Significance.

NM_003280.3(TNNC1):c.189G>T (p.Glu63Asp)

Gene: TNNC1 (troponin C1, slow skeletal and cardiac type; minus strand). Cytogenetic location: 3p21.1.
Variant type: single nucleotide variant.
Coding change: c.189G>T on transcript NM_003280.3 (MANE Select); coding-DNA position 189, G replaced by T.
Protein change: p.Glu63Asp; replaces glutamic acid 63 with aspartic acid.
Molecular consequence: missense variant.
Genome position (GRCh38, 1-based): chr3:52,452,119, C>A on the plus strand (G>T on the coding strand, the complement: TNNC1 is on the minus strand). VCF-style: chr3-52452119-C-A. GRCh37 (hg19) VCF-style: chr3-52486135-C-A.
Other names: c.189G>T (LRG_378t1); short protein forms E63D.
Identifiers: ClinVar variation 221030 (VCV000221030.6), dbSNP rs864622721, ClinGen allele CA349665.